The following is an entry in ClinVar:

NM_002739.5(PRKCG):c.207C>T (p.Cys69=)

Gene: PRKCG (protein kinase C gamma; plus strand). Cytogenetic location: 19q13.42.
Variant type: single nucleotide variant.
Coding change: c.207C>T on transcript NM_002739.5 (MANE Select); coding-DNA position 207, C replaced by T.
Protein change: p.Cys69=; no amino-acid change (cysteine 69 retained).
Molecular consequence: synonymous variant.
Genome position (GRCh38, 1-based): chr19:53,884,165, C>T. VCF-style: chr19-53884165-C-T. GRCh37 (hg19) VCF-style: chr19-54387419-C-T.
Other names: p.Cys69=; c.207C>T (LRG_669t1); c.207C>T, p.Cys69= (NM_001316329.2).
Identifiers: ClinVar variation 330057 (VCV000330057.11), dbSNP rs307955, ClinGen allele CA9640233.

ClinVar aggregate classification (germline): Benign. Review status: criteria provided, multiple submitters, no conflicts (2 of 4 stars). 7 submissions from 7 submitters: Benign (7). Last evaluated 2025-09-08.

Conditions:
Spinocerebellar ataxia type 14 (SCA14). Identifiers: Orphanet 98763, MedGen C1854369, MONDO:0011540, OMIM 605361.

Allele frequency attached by ClinVar (database versions not stated): gnomAD exomes 0.02268 and 0.02287; ExAC 0.02444; 1000 Genomes Project 0.02895; TOPMed 0.03042; gnomAD 0.03240 and 0.03300; ESP Exome Variant Server 0.03629.
gnomAD v4.1: 38,267 of 1,613,944 alleles (2.4%); highest among the groups gnomAD compares: African/African-American, 5.9%; 541 homozygotes.

Submissions (7):

Athena Diagnostics
Classification: Benign. Last evaluated: 2025-09-08. Review status: criteria provided, single submitter. Criteria: Athena Diagnostics Criteria. Collection method: clinical testing. Allele origin: unknown.
Comment: The frequency of this variant in the general population is higher than would generally be expected for pathogenic variants in this gene.

Mayo Clinic Laboratories, Mayo Clinic
Classification: Benign. Last evaluated: 2022-12-20. Review status: criteria provided, single submitter. Criteria: ACMG Guidelines, 2015. Collection method: clinical testing. Allele origin: germline. Observed: 53 variant alleles.

GeneDx
Classification: Benign. Last evaluated: 2021-05-05. Review status: criteria provided, single submitter. Criteria: GeneDx Variant Classification Process June 2021. Collection method: clinical testing. Allele origin: germline. Affected: yes.

Illumina Laboratory Services, Illumina
Classification: Benign for Spinocerebellar ataxia type 14. Last evaluated: 2018-01-13. Review status: criteria provided, single submitter. Criteria: ICSL Variant Classification Criteria 13 December 2019. Collection method: clinical testing. Allele origin: germline.
Comment: This variant was observed in the ICSL laboratory as part of a predisposition screen in an ostensibly healthy population. It had not been previously curated by ICSL or reported in the Human Gene Mutation Database (HGMD: prior to June 1st, 2018), and was therefore a candidate for classification through an automated scoring system. Utilizing variant allele frequency, disease prevalence and penetrance estimates, and inheritance mode, an automated score was calculated to assess if this variant is too frequent to cause the disease. Based on the score and internal cut-off values, a variant classified as benign is not then subjected to further curation. The score for this variant resulted in a classification of benign for this disease.

Clinical Genetics DNA and cytogenetics Diagnostics Lab, Erasmus MC, Erasmus Medical Center
Classification: Benign for Spinocerebellar ataxia type 14. Last evaluated: 2015-09-21. Review status: criteria provided, single submitter. Criteria: ACGS Guidelines, 2013. Collection method: clinical testing. Allele origin: germline. Affected: yes. Study: VKGL Data-share Consensus.

Genome Diagnostics Laboratory, University Medical Center Utrecht
Classification: Benign for Spinocerebellar ataxia type 14. Last evaluated: 2014-10-10. Review status: criteria provided, single submitter. Criteria: ACGS Guidelines, 2013. Collection method: clinical testing. Allele origin: germline. Affected: yes. Study: VKGL Data-share Consensus.

Breakthrough Genomics
Classification: Benign. Review status: criteria provided, single submitter. Criteria: ACMG Guidelines, 2015. Collection method: not provided. Allele origin: germline. Inheritance: Autosomal dominant inheritance. Affected: yes.